The following is an entry in ClinVar:

NM_007294.4(BRCA1):c.3012G>A (p.Glu1004=)

Gene: BRCA1 (BRCA1 DNA repair associated; minus strand). Cytogenetic location: 17q21.31.
Variant type: single nucleotide variant.
Coding change: c.3012G>A on transcript NM_007294.4 (MANE Select); coding-DNA position 3012, G replaced by A.
Protein change: p.Glu1004=; no amino-acid change (glutamic acid 1004 retained).
Molecular consequence: synonymous variant. On other transcripts: intron variant (137).
Genome position (GRCh38, 1-based): chr17:43,092,519, C>T on the plus strand (G>A on the coding strand, the complement: BRCA1 is on the minus strand). VCF-style: chr17-43092519-C-T. GRCh37 (hg19) VCF-style: chr17-41244536-C-T.
Other names: c.2799G>A, p.Glu933= (NM_001407571.1, NM_001407853.1, NM_001407894.1 and 9 more transcripts); c.3012G>A, p.Glu1004= (NM_001407581.1, NM_001407582.1, NM_001407583.1 and 30 more transcripts); c.3009G>A, p.Glu1003= (NM_001407587.1, NM_001407590.1, NM_001407591.1 and 22 more transcripts); c.3003G>A, p.Glu1001= (NM_001407646.1, NM_001407647.1); c.2889G>A, p.Glu963= (NM_001407648.1, NM_001407664.1, NM_001407665.1 and 19 more transcripts); c.2886G>A, p.Glu962= (NM_001407649.1, NM_001407670.1, NM_001407671.1 and 11 more transcripts); c.2934G>A, p.Glu978= (NM_001407653.1, NM_001407654.1, NM_001407655.1 and 4 more transcripts); c.2931G>A, p.Glu977= (NM_001407659.1, NM_001407660.1, NM_001407661.1 and 1 more transcripts); and 41 more.
Identifiers: ClinVar variation 184912 (VCV000184912.34), dbSNP rs786201784, ClinGen allele CA001966.

ClinVar aggregate classification (germline): Likely benign. Review status: reviewed by expert panel (3 of 4 stars). 11 submissions from 11 submitters: Likely benign (1). 10 of the submissions do not count toward it. Last evaluated 2017-06-29.

Conditions:
Hereditary breast ovarian cancer syndrome. Also called: Hereditary breast and ovarian cancer syndrome; Hereditary breast and ovarian cancer syndrome (HBOC); BRCA1- and BRCA2-Associated Hereditary Breast and Ovarian Cancer; Breast and ovarian cancer; Hereditary breast and ovarian cancer; Hereditary breast and/or ovarian cancer syndrome. Identifiers: Orphanet 145, MedGen C0677776, MeSH D061325, MONDO:0003582. Disease mechanism: loss of function.
Hereditary cancer-predisposing syndrome. Also called: Hereditary Cancer Syndrome; Hereditary neoplastic syndrome; Tumor predisposition; Neoplastic Syndromes, Hereditary. Identifiers: Orphanet 140162, MedGen C0027672, MeSH D009386, MONDO:0015356.
Breast-ovarian cancer, familial, susceptibility to, 1 (BROVCA1). Also called: OVARIAN CANCER, SUSCEPTIBILITY TO; BRCA1 Hereditary Breast and Ovarian Cancer. Identifiers: Orphanet 145, MedGen C2676676, MONDO:0011450, OMIM 604370. Disease mechanism: loss of function.
BRCA1-related disorder. Also called: BRCA1-related condition.

Allele frequency attached by ClinVar (database versions not stated): gnomAD exomes 0.00001; gnomAD 0.00002; TOPMed 0.00004.
gnomAD v4.1: 12 of 1,613,864 alleles (0.00074%); highest among the groups gnomAD compares: Admixed American, 0.012%; no homozygotes.

Submissions (11):

Evidence-based Network for the Interpretation of Germline Mutant Alleles (ENIGMA)
Classification: Likely benign for Breast-ovarian cancer, familial, susceptibility to, 1. Last evaluated: 2017-06-29. Review status: reviewed by expert panel. Criteria: ENIGMA BRCA1/2 Classification Criteria (2017-06-29). Collection method: curation. Allele origin: germline.
Comment: Synonymous substitution variant, with low bioinformatic likelihood to result in a splicing aberration (Splicing prior probability 0.02).

Quest Diagnostics Nichols Institute San Juan Capistrano
Classification: Likely benign. Last evaluated: 2025-08-08. Review status: criteria provided, single submitter. Criteria: Quest Diagnostics criteria. Collection method: clinical testing. Allele origin: unknown. Not counted in ClinVar's aggregate classification.

Labcorp Genetics (formerly Invitae), Labcorp
Classification: Likely benign for Hereditary breast ovarian cancer syndrome. Last evaluated: 2025-07-17. Review status: criteria provided, single submitter. Criteria: Invitae Variant Classification Sherloc (09022015). Collection method: clinical testing. Allele origin: germline. Not counted in ClinVar's aggregate classification.

Sema4
Classification: Likely benign for Hereditary cancer-predisposing syndrome. Last evaluated: 2021-10-08. Review status: criteria provided, single submitter. Criteria: Sema4 Curation Guidelines. Collection method: curation. Allele origin: germline. Not counted in ClinVar's aggregate classification.

Women's Health and Genetics/Laboratory Corporation of America, LabCorp
Classification: Likely benign. Last evaluated: 2019-08-21. Review status: criteria provided, single submitter. Criteria: LabCorp Variant Classification Summary - May 2015. Collection method: clinical testing. Allele origin: germline. Not counted in ClinVar's aggregate classification.

Mendelics
Classification: Likely benign for Breast-ovarian cancer, familial, susceptibility to, 1. Last evaluated: 2019-05-28. Review status: criteria provided, single submitter. Criteria: Mendelics Assertion Criteria 2017. Collection method: clinical testing. Allele origin: unknown. Not counted in ClinVar's aggregate classification.

Color Diagnostics, LLC DBA Color Health
Classification: Likely benign for Hereditary cancer-predisposing syndrome. Last evaluated: 2018-08-14. Review status: criteria provided, single submitter. Criteria: ACMG Guidelines, 2015. Collection method: clinical testing. Allele origin: germline. Not counted in ClinVar's aggregate classification.

GeneDx
Classification: Uncertain significance. Last evaluated: 2016-03-04. Review status: criteria provided, single submitter. Criteria: GeneDx Variant Classification (06012015). Collection method: clinical testing. Allele origin: germline. Affected: yes. Not counted in ClinVar's aggregate classification.
Comment: This variant is denoted BRCA1 c.3012G>A at the DNA level. This variant is silent at the coding level, preserving a Glutamic Acid at codon 1004. Using alternate nomenclature, this variant would be defined as BRCA1 3131G>A. It is not predicted to cause abnormal splicing. This variant has not, to our knowledge, been published in the literature as pathogenic or benign. BRCA1 c.3012G>A was not observed in approximately 6,500 individuals of European and African American ancestry in the NHLBI Exome Sequencing Project, indicating it is not a common benign variant in these populations.The nucleotide which is altered, a guanine (G) at base 3012, is conserved in mammals. Based on currently available information, it is unclear whether BRCA1 c.3012G>A is a pathogenic or benign variant. We consider it to be a variant of uncertain significance.

Ambry Genetics
Classification: Likely benign for Hereditary cancer-predisposing syndrome. Last evaluated: 2015-02-13. Review status: criteria provided, single submitter. Criteria: Ambry Variant Classification Scheme 2023. Collection method: clinical testing. Allele origin: germline. Not counted in ClinVar's aggregate classification.

Eurofins Ntd Llc (ga)
Classification: Uncertain significance. Last evaluated: 2015-01-29. Review status: criteria provided, single submitter. Criteria: EGL Classification Definitions 2015. Collection method: clinical testing. Allele origin: germline. Observed: 1 variant allele, 1 heterozygote. Not counted in ClinVar's aggregate classification.

PreventionGenetics, part of Exact Sciences
Classification: Likely benign for BRCA1-related condition. Last evaluated: 2019-03-01. Review status: no assertion criteria provided. Collection method: clinical testing. Allele origin: germline. Not counted in ClinVar's aggregate classification.
Comment: This variant is classified as likely benign based on ACMG/AMP sequence variant interpretation guidelines (Richards et al. 2015 PMID: 25741868, with internal and published modifications).

Literature cited by the submitters: PubMed 35264596 (cited by Quest Diagnostics Nichols Institute San Juan Capistrano); PubMed 35534704 (cited by Quest Diagnostics Nichols Institute San Juan Capistrano).